The following is an entry in ClinVar:

GRCh37/hg19 16p13.2(chr16:8839796-9728670)

Genes: HAPSTR1 (HUWE1 associated protein modifying stress responses; plus strand), ABAT (4-aminobutyrate aminotransferase; plus strand), CARHSP1 (calcium regulated heat stable protein 1; minus strand), PMM2 (phosphomannomutase 2; plus strand), TMEM186 (transmembrane protein 186; minus strand) and 1 more. Cytogenetic location: 16p13.2.
Variant type: copy number loss.
Identifiers: ClinVar variation 625567 (VCV000625567.1).

ClinVar aggregate classification (germline): Pathogenic (1 of 4 stars; one submission).

Submission:

Baylor Genetics
Classification: Pathogenic. Last evaluated: 2018-11-01. Review status: criteria provided, single submitter. Criteria: ACMG CNV Guidelines, 2011. Collection method: clinical testing. Allele origin: germline. Affected: yes. Observed: 1 variant allele.
Comment: Deletions involving this region have been previously reported in patients with neurodevelopmental disorder, featuring intellectual disability and autism spectrum disorder [PMID: 26365382]